The following is an entry in ClinVar:

ClinVar aggregate classification (germline): Likely benign. Review status: criteria provided, multiple submitters, no conflicts (2 of 4 stars). 3 submissions from 3 submitters: Likely benign (3). Last evaluated 2026-01-22.

Conditions:
Ehlers-Danlos syndrome, type 4 (EDSVASC). Also called: Ehlers-Danlos syndrome vascular type; Ehlers Danlos syndrome, ecchymotic type; Ehlers Danlos syndrome, arterial type; Ehlers Danlos syndrome, Sack-Barabas type; Ehlers-Danlos Syndrome Type IV. Identifiers: Orphanet 286, MedGen C0268338, MONDO:0017314, OMIM 130050.

Allele frequency attached by ClinVar (database versions not stated): gnomAD exomes below 0.00001 and 0.00001; TOPMed below 0.00001; gnomAD 0.00001.
gnomAD v4.1: 10 of 1,613,848 alleles (0.00062%); highest among the groups gnomAD compares: African/African-American, 0.0013%; no homozygotes.

Submissions (3):

Labcorp Genetics (formerly Invitae), Labcorp
Classification: Likely benign for Ehlers-Danlos syndrome, type 4. Last evaluated: 2026-01-22. Review status: criteria provided, single submitter. Criteria: Invitae Variant Classification Sherloc (09022015). Collection method: clinical testing. Allele origin: germline.

Women's Health and Genetics/Laboratory Corporation of America, LabCorp
Classification: Likely benign. Last evaluated: 2024-07-14. Review status: criteria provided, single submitter. Criteria: LabCorp Variant Classification Summary - May 2015. Collection method: clinical testing. Allele origin: germline.

GeneDx
Classification: Likely benign. Last evaluated: 2017-11-10. Review status: criteria provided, single submitter. Criteria: GeneDx Variant Classification (06012015). Collection method: clinical testing. Allele origin: germline. Affected: yes.
Comment: This variant is considered likely benign or benign based on one or more of the following criteria: it is a conservative change, it occurs at a poorly conserved position in the protein, it is predicted to be benign by multiple in silico algorithms, and/or has population frequency not consistent with disease.

NM_000090.4(COL3A1):c.3093+16G>A

Gene: COL3A1 (collagen type III alpha 1 chain; plus strand). Cytogenetic location: 2q32.2.
Variant type: single nucleotide variant.
Coding change: c.3093+16G>A on transcript NM_000090.4 (MANE Select); 16 bases into the intron after coding-DNA position 3093, G replaced by A.
Molecular consequence: intron variant.
Genome position (GRCh38, 1-based): chr2:189,006,275, G>A. VCF-style: chr2-189006275-G-A. GRCh37 (hg19) VCF-style: chr2-189871001-G-A.
Identifiers: ClinVar variation 513326 (VCV000513326.4), dbSNP rs369029683, ClinGen allele CA62559197.